The following is an entry in ClinVar:

ClinVar aggregate classification (germline): Conflicting classifications of pathogenicity. Review status: criteria provided, conflicting classifications (1 of 4 stars). 2 submissions from 2 submitters: Uncertain significance (1); Likely benign (1). Last evaluated 2025-01-13.

gnomAD v4.1: 8 of 1,614,120 alleles (0.0005%); highest among the groups gnomAD compares: Non-Finnish European, 0.00068%; no homozygotes.

Submissions (2):

Ambry Genetics
Classification: Likely benign. Last evaluated: 2025-01-13. Review status: criteria provided, single submitter. Criteria: Ambry Variant Classification Scheme 2023. Collection method: clinical testing. Allele origin: germline.

Labcorp Genetics (formerly Invitae), Labcorp
Classification: Uncertain significance. Last evaluated: 2024-07-04. Review status: criteria provided, single submitter. Criteria: Invitae Variant Classification Sherloc (09022015). Collection method: clinical testing. Allele origin: germline.
Comment: This sequence change replaces isoleucine, which is neutral and non-polar, with valine, which is neutral and non-polar, at codon 1262 of the A2ML1 protein (p.Ile1262Val). This variant is present in population databases (rs775326962, gnomAD 0.002%). This variant has not been reported in the literature in individuals affected with A2ML1-related conditions. Algorithms developed to predict the effect of missense changes on protein structure and function output the following: SIFT: "Not Available"; PolyPhen-2: "Benign"; Align-GVGD: "Not Available". The valine amino acid residue is found in multiple mammalian species, which suggests that this missense change does not adversely affect protein function. In summary, the available evidence is currently insufficient to determine the role of this variant in disease. Therefore, it has been classified as a Variant of Uncertain Significance.

NM_144670.6(A2ML1):c.3784A>G (p.Ile1262Val)

Gene: A2ML1 (alpha-2-macroglobulin like 1; plus strand). Cytogenetic location: 12p13.31.
Variant type: single nucleotide variant.
Coding change: c.3784A>G on transcript NM_144670.6 (MANE Select); coding-DNA position 3784, A replaced by G.
Protein change: p.Ile1262Val; replaces isoleucine 1262 with valine.
Molecular consequence: missense variant.
Genome position (GRCh38, 1-based): chr12:8,867,908, A>G. VCF-style: chr12-8867908-A-G. GRCh37 (hg19) VCF-style: chr12-9020504-A-G.
Other names: c.2311A>G, p.Ile771Val (NM_001282424.3); c.3784A>G (NM_144670.3); short protein forms I771V, I1262V.
Identifiers: ClinVar variation 3673602 (VCV003673602.3).